The following is an entry in ClinVar:

NM_000718.4(CACNA1B):c.6021C>T (p.Ala2007=)

Gene: CACNA1B (calcium voltage-gated channel subunit alpha1 B; plus strand). Cytogenetic location: 9q34.3.
Variant type: single nucleotide variant.
Coding change: c.6021C>T on transcript NM_000718.4 (MANE Select); coding-DNA position 6021, C replaced by T.
Protein change: p.Ala2007=; no amino-acid change (alanine 2007 retained).
Molecular consequence: synonymous variant.
Genome position (GRCh38, 1-based): chr9:138,118,759, C>T. VCF-style: chr9-138118759-C-T. GRCh37 (hg19) VCF-style: chr9-141013211-C-T.
Other names: c.6021C>T, p.Ala2007= (NM_001243812.2).
Identifiers: ClinVar variation 2168766 (VCV002168766.8), dbSNP rs539576462, ClinGen allele CA201872351.

ClinVar aggregate classification (germline): Likely benign. Review status: criteria provided, multiple submitters, no conflicts (2 of 4 stars). 2 submissions from 2 submitters: Likely benign (2). Last evaluated 2026-06-01.

Allele frequency attached by ClinVar (database versions not stated): TOPMed 0.00003; gnomAD 0.00005; 1000 Genomes Project 0.00020; 1000 Genomes Project 30x 0.00031.
gnomAD v4.1: 37 of 1,490,042 alleles (0.0025%); highest among the groups gnomAD compares: Admixed American, 0.018%; no homozygotes.

Submissions (2):

CeGaT Center for Human Genetics Tuebingen
Classification: Likely benign. Last evaluated: 2026-06-01. Review status: criteria provided, single submitter. Criteria: CeGaT Center For Human Genetics Tuebingen Variant Classification Criteria Version 2. Collection method: clinical testing. Allele origin: germline. Affected: yes. Observed: 2 variant alleles.
Comment: CACNA1B: BP4, BP7

Labcorp Genetics (formerly Invitae), Labcorp
Classification: Likely benign. Last evaluated: 2026-01-19. Review status: criteria provided, single submitter. Criteria: Invitae Variant Classification Sherloc (09022015). Collection method: clinical testing. Allele origin: germline.